The following is an entry in ClinVar:

ClinVar aggregate classification (germline): Uncertain significance. Review status: criteria provided, multiple submitters, no conflicts (2 of 4 stars). 4 submissions from 4 submitters: Uncertain significance (4). Last evaluated 2025-09-03.

Conditions:
Atrial fibrillation, familial, 13 (ATFB13). Identifiers: MedGen C3809311, MONDO:0014155, OMIM 615377.
Generalized epilepsy with febrile seizures plus, type 1 (GEFSP1). Also called: GEFS+, TYPE 1. Identifiers: Orphanet 36387, MedGen C1858672, MONDO:0011416, OMIM 604233.
Developmental and epileptic encephalopathy, 52 (DEE52). Also called: Epileptic encephalopathy, early infantile, 52. Identifiers: MedGen C4479236, MONDO:0033361, OMIM 617350.
Brugada syndrome 5 (BRGDA5). Identifiers: Orphanet 130, Orphanet 871, MedGen C2748541, MONDO:0013015, OMIM 612838.
Cardiovascular phenotype. Identifiers: MedGen CN230736.

Allele frequency attached by ClinVar (database versions not stated): gnomAD exomes below 0.00001; TOPMed 0.00002; gnomAD 0.00003.
gnomAD v4.1: 30 of 1,613,948 alleles (0.0019%); highest among the groups gnomAD compares: Non-Finnish European, 0.0025%; no homozygotes.

Submissions (4):

Labcorp Genetics (formerly Invitae), Labcorp
Classification: Uncertain significance for Brugada syndrome 5. Last evaluated: 2025-09-03. Review status: criteria provided, single submitter. Criteria: Invitae Variant Classification Sherloc (09022015). Collection method: clinical testing. Allele origin: germline.
Comment: This sequence change replaces threonine, which is neutral and polar, with alanine, which is neutral and non-polar, at codon 28 of the SCN1B protein (p.Thr28Ala). This variant is present in population databases (rs786205838, gnomAD 0.002%). This missense change has been observed in individual(s) with epilepsy and/or neurodevelopmental disorders (PMID: 29655203). ClinVar contains an entry for this variant (Variation ID: 190880). An algorithm developed to predict the effect of missense changes on protein structure and function (PolyPhen-2) suggests that this variant is likely to be disruptive. In summary, the available evidence is currently insufficient to determine the role of this variant in disease. Therefore, it has been classified as a Variant of Uncertain Significance.

Ambry Genetics
Classification: Uncertain significance for Cardiovascular phenotype. Last evaluated: 2024-12-03. Review status: criteria provided, single submitter. Criteria: Ambry Variant Classification Scheme 2023. Collection method: clinical testing. Allele origin: germline.
Comment: The p.T28A variant (also known as c.82A>G), located in coding exon 2 of the SCN1B gene, results from an A to G substitution at nucleotide position 82. The threonine at codon 28 is replaced by alanine, an amino acid with similar properties. In one study, this alteration was detected as a SNP in individuals with epilepsy and was not detected in controls (KlassenT et al. Cell, 2011 Jun;145:1036-48). This amino acid position is highly conserved in available vertebrate species. In addition, the in silico prediction for this alteration is inconclusive. Since supporting evidence is limited at this time, the clinical significance of this alteration remains unclear.

Fulgent Genetics
Classification: Uncertain significance for Generalized epilepsy with febrile seizures plus, type 1; Brugada syndrome 5; Atrial fibrillation, familial, 13; Developmental and epileptic encephalopathy, 52. Last evaluated: 2021-09-28. Review status: criteria provided, single submitter. Criteria: ACMG Guidelines, 2015. Collection method: clinical testing. Allele origin: unknown.

GeneDx
Classification: Uncertain significance. Last evaluated: 2017-08-02. Review status: criteria provided, single submitter. Criteria: GeneDx Variant Classification (06012015). Collection method: clinical testing. Allele origin: germline. Affected: yes.
Comment: The T28A variant has not been published as a pathogenic variant, nor has it been reported as a benign variant to our knowledge. It was not observed in approximately 6,500 individuals of European and AfricanAmerican ancestry in the NHLBI Exome Sequencing Project, indicating it is not a common benignvariant in these populations. The T28A variant is a non-conservative amino acid substitution,which is likely to impact secondary protein structure as these residues differ in polarity, charge,size and/or other properties. This substitution occurs at a position that is conserved acrossspecies, and a different missense variant at the same position (T28I) as well as a missense variantin a nearby residue (D25N) have been reported in the Human Gene Mutation Database inassociation with epilepsy (Stenson et al., 2014). In silico analysis is inconsistent in its predictionsas to whether or not the variant is damaging to the protein structure/function. Based on thecurrently available information, it is unclear whether this variant is a pathogenic variant or a rarebenign variant.

Literature cited by the submitters: PubMed 29655203 (cited by Labcorp Genetics (formerly Invitae), Labcorp); PubMed 21703448 (cited by Ambry Genetics).

NM_001037.5(SCN1B):c.82A>G (p.Thr28Ala)

Gene: SCN1B (sodium voltage-gated channel beta subunit 1; plus strand). Cytogenetic location: 19q13.11.
Variant type: single nucleotide variant.
Coding change: c.82A>G on transcript NM_001037.5 (MANE Select); coding-DNA position 82, A replaced by G.
Protein change: p.Thr28Ala; replaces threonine 28 with alanine.
Molecular consequence: missense variant. On other transcripts: 5 prime UTR variant (1).
Genome position (GRCh38, 1-based): chr19:35,032,569, A>G. VCF-style: chr19-35032569-A-G. GRCh37 (hg19) VCF-style: chr19-35523473-A-G.
Other names: p.T28A:ACC>GCC; c.-18A>G (NM_001321605.2); c.82A>G, p.Thr28Ala (NM_199037.5); short protein forms T28A.
Identifiers: ClinVar variation 190880 (VCV000190880.18), dbSNP rs786205838, ClinGen allele CA302192.